The following is an entry in ClinVar:

NM_000558.5(HBA1):c.396T>C (p.Ser132=)

Genes: HBA1 (hemoglobin subunit alpha 1; plus strand), LOC106804613 (hemoglobin subunit alpha 1 recombination region; plus strand). Cytogenetic location: 16p13.3.
Variant type: single nucleotide variant.
Coding change: c.396T>C on transcript NM_000558.5 (MANE Select); coding-DNA position 396, T replaced by C.
Protein change: p.Ser132=; no amino-acid change (serine 132 retained).
Molecular consequence: synonymous variant.
Genome position (GRCh38, 1-based): chr16:177,378, T>C. VCF-style: chr16-177378-T-C. GRCh37 (hg19) VCF-style: chr16-227377-T-C.
Identifiers: ClinVar variation 439101 (VCV000439101.18), dbSNP rs149264789, ClinGen allele CA7770290.
Genomic context (GRCh38, chr16:177,378, plus strand): 5'-CCACCTCCCCGCCGAGTTCACCCCTGCGGTGCACGCCTCCCTGGACAAGTTCCTGGCTTC[T>C]GTGAGCACCGTGCTGACCTCCAAATACCGTTAAGCTGGAGCCTCGGTGGCCATGCTTCTT-3'
Protein context (NP_000549.1, residues 122-142): VHASLDKFLA[Ser132=]VSTVLTSKYR

ClinVar aggregate classification (germline): Likely benign. Review status: criteria provided, multiple submitters, no conflicts (2 of 4 stars). 4 submissions from 4 submitters: Likely benign (2). 2 of the submissions do not count toward it. Last evaluated 2024-12-10.

Conditions:
alpha Thalassemia. Also called: Alpha thalassemia spectrum. Identifiers: Orphanet 846, MedGen C0002312, MONDO:0011399, OMIM 604131.
HBA1-related disorder. Also called: HBA1-related condition.

Allele frequency attached by ClinVar (database versions not stated): gnomAD exomes 0.00024 and 0.00041; ExAC 0.00027; gnomAD 0.00079 and 0.00085; 1000 Genomes Project 0.00080; TOPMed 0.00084; ESP Exome Variant Server 0.00092; 1000 Genomes Project 30x 0.00094.

Submissions (4):

ARUP Laboratories, Molecular Genetics and Genomics, ARUP Laboratories
Classification: Likely benign. Last evaluated: 2024-12-10. Review status: criteria provided, single submitter. Criteria: ARUP Molecular Germline Variant Investigation Process 2024. Collection method: clinical testing. Allele origin: germline.

Quest Diagnostics Nichols Institute San Juan Capistrano
Classification: Likely benign. Last evaluated: 2023-06-13. Review status: criteria provided, single submitter. Criteria: Quest Diagnostics criteria. Collection method: clinical testing. Allele origin: unknown.

PreventionGenetics, part of Exact Sciences
Classification: Likely benign for HBA1-related condition. Last evaluated: 2024-07-22. Review status: no assertion criteria provided. Collection method: clinical testing. Allele origin: germline. Not counted in ClinVar's aggregate classification.
Comment: This variant is classified as likely benign based on ACMG/AMP sequence variant interpretation guidelines (Richards et al. 2015 PMID: 25741868, with internal and published modifications).

Natera, Inc.
Classification: Uncertain significance for Alpha thalassemia. Last evaluated: 2017-08-09. Review status: no assertion criteria provided. Collection method: clinical testing. Allele origin: germline. Not counted in ClinVar's aggregate classification.

Literature cited by the submitters: PubMed 22638758 (cited by Quest Diagnostics Nichols Institute San Juan Capistrano).